The following is an entry in ClinVar:

ClinVar aggregate classification (germline): Pathogenic (1 of 4 stars; one submission).

Conditions:
Telangiectasia, hereditary hemorrhagic, type 2 (HHT2). Also called: ACVRL1-Related Hereditary Hemorrhagic Telangiectasia; Telangiectasia, hereditary hemorrhagic, type II. Identifiers: Orphanet 774, MedGen C1838163, MONDO:0010880, OMIM 600376. Disease mechanism: loss of function.

Submission:

Labcorp Genetics (formerly Invitae), Labcorp
Classification: Pathogenic for Telangiectasia, hereditary hemorrhagic, type 2. Last evaluated: 2021-03-07. Review status: criteria provided, single submitter. Criteria: Invitae Variant Classification Sherloc (09022015). Collection method: clinical testing. Allele origin: germline.
Comment: For these reasons, this variant has been classified as Pathogenic. This variant disrupts the C-terminus of the ACVRL1 protein. Other variant(s) that disrupt this region (p.Gln490*) have been determined to be pathogenic (PMID: 11484689, 16429404, 24603890). This suggests that variants that disrupt this region of the protein are likely to be causative of disease. This variant has not been reported in the literature in individuals with ACVRL1-related conditions. This variant is not present in population databases (ExAC no frequency). This sequence change creates a premature translational stop signal (p.Gln447*) in the ACVRL1 gene. While this is not anticipated to result in nonsense mediated decay, it is expected to disrupt the last 57 amino acid(s) of the ACVRL1 protein.

Literature cited by the submitters: PubMed 11484689; PubMed 16429404; PubMed 24603890.

NM_000020.3(ACVRL1):c.1339C>T (p.Gln447Ter)

Gene: ACVRL1 (activin A receptor like type 1; plus strand). Cytogenetic location: 12q13.13.
Variant type: single nucleotide variant.
Coding change: c.1339C>T on transcript NM_000020.3 (MANE Select); coding-DNA position 1339, C replaced by T.
Protein change: p.Gln447Ter; replaces glutamine 447 with a stop codon.
Molecular consequence: nonsense.
Genome position (GRCh38, 1-based): chr12:51,919,077, C>T. VCF-style: chr12-51919077-C-T. GRCh37 (hg19) VCF-style: chr12-52312861-C-T.
Other names: c.1339C>T, p.Gln447Ter (NM_001077401.2); short protein forms Q447*.
Identifiers: ClinVar variation 1455285 (VCV001455285.8), dbSNP rs2139084336, ClinGen allele CA384904230.